The following is an entry in ClinVar:

NM_000108.5(DLD):c.829A>T (p.Lys277Ter)

Gene: DLD (dihydrolipoamide dehydrogenase; plus strand). Cytogenetic location: 7q31.1.
Variant type: single nucleotide variant.
Coding change: c.829A>T on transcript NM_000108.5 (MANE Select); coding-DNA position 829, A replaced by T.
Protein change: p.Lys277Ter; replaces lysine 277 with a stop codon.
Molecular consequence: nonsense.
Genome position (GRCh38, 1-based): chr7:107,915,650, A>T. VCF-style: chr7-107915650-A-T. GRCh37 (hg19) VCF-style: chr7-107556095-A-T.
Other names: c.532A>T, p.Lys178Ter (NM_001289750.1); c.760A>T, p.Lys254Ter (NM_001289751.1); c.685A>T, p.Lys229Ter (NM_001289752.1); short protein forms K178*, K229*, K254*, K277*.
Identifiers: ClinVar variation 1724737 (VCV001724737.2), dbSNP rs2535598841, ClinGen allele CA368857267.
Genomic context (GRCh38, chr7:107,915,650, plus strand): 5'-ATATCTAAAAACTTTCAACGCATCCTTCAAAAACAGGGGTTTAAATTTAAATTGAATACA[A>T]AGGTTACTGGTGCTACCAAGAAGTCAGATGGAAAAATTGATGTTTCGTAAGTATACATCA-3'

ClinVar aggregate classification (germline): Likely pathogenic (1 of 4 stars; one submission).

Conditions:
Pyruvate dehydrogenase E3 deficiency (DLDD). Also called: Dihydrolipoamide Dehydrogenase (E3) Deficiency; Lipoamide dehydrogenase deficiency, lactic acidosis due to; Lipoamide dehydrogenase deficiency; DLD DEFICIENCY; E3 DEFICIENCY; Dihydrolipoamide Dehydrogenase Deficiency. Identifiers: Orphanet 2394, Orphanet 765, MedGen C5574660, MONDO:0009529, OMIM 246900.

Submission:

Myriad Genetics, Inc.
Classification: Likely pathogenic for Pyruvate dehydrogenase E3 deficiency. Last evaluated: 2022-02-25. Review status: criteria provided, single submitter. Criteria: Myriad Women's Health Autosomal Recessive and X-Linked Classification Criteria (2021). Collection method: clinical testing. Allele origin: unknown.
Comment: NM_000108.3(DLD):c.829A>T(K277*) is expected to be pathogenic in the context of dihydrolipoamide dehydrogenase deficiency. This variant is predicted to lead to an abnormal or absent protein product due to the creation of a premature termination codon in DLD, a gene where loss-of-function variants are known to be pathogenic. Please note: this variant was assessed in the context of healthy population screening.